The following is an entry in ClinVar:

NM_000257.4(MYH7):c.1219G>C (p.Gly407Arg)

Gene: MYH7 (myosin heavy chain 7; minus strand). Cytogenetic location: 14q11.2.
Variant type: single nucleotide variant.
Coding change: c.1219G>C on transcript NM_000257.4 (MANE Select); coding-DNA position 1219, G replaced by C.
Protein change: p.Gly407Arg; replaces glycine 407 with arginine.
Molecular consequence: missense variant.
Genome position (GRCh38, 1-based): chr14:23,429,267, C>G on the plus strand (G>C on the coding strand, the complement: MYH7 is on the minus strand). VCF-style: chr14-23429267-C-G. GRCh37 (hg19) VCF-style: chr14-23898476-C-G.
Other names: c.1219G>C, p.Gly407Arg (NM_001407004.1); short protein forms G407R.
Identifiers: ClinVar variation 3636048 (VCV003636048.2).

ClinVar aggregate classification (germline): Likely pathogenic (1 of 4 stars; one submission).

Conditions:
Hypertrophic cardiomyopathy. Also called: HYPERTROPHIC MYOCARDIOPATHY. Identifiers: Orphanet 217569, MedGen C0007194, MeSH D002312, MONDO:0005045, HP:0001639.

Submission:

Labcorp Genetics (formerly Invitae), Labcorp
Classification: Likely pathogenic for Hypertrophic cardiomyopathy. Last evaluated: 2024-04-22. Review status: criteria provided, single submitter. Criteria: Invitae Variant Classification Sherloc (09022015). Collection method: clinical testing. Allele origin: germline.
Comment: This sequence change replaces glycine, which is neutral and non-polar, with arginine, which is basic and polar, at codon 407 of the MYH7 protein (p.Gly407Arg). This variant is not present in population databases (gnomAD no frequency). This missense change has been observed in individual(s) with autosomal dominant hypertrophic cardiomyopathy (Invitae). Advanced modeling of protein sequence and biophysical properties (such as structural, functional, and spatial information, amino acid conservation, physicochemical variation, residue mobility, and thermodynamic stability) performed at Invitae indicates that this missense variant is expected to disrupt MYH7 protein function with a positive predictive value of 95%. This variant disrupts the p.Gly407 amino acid residue in MYH7. Other variant(s) that disrupt this residue have been determined to be pathogenic (PMID: 2894683, 15358028, 24963656, 27532257, 31638223, 35288587). This suggests that this residue is clinically significant, and that variants that disrupt this residue are likely to be disease-causing. In summary, the currently available evidence indicates that the variant is pathogenic, but additional data are needed to prove that conclusively. Therefore, this variant has been classified as Likely Pathogenic.

Literature cited by the submitters: PubMed 2894683; PubMed 15358028; PubMed 24963656; PubMed 27532257; PubMed 31638223; PubMed 35288587.